The following is an entry in ClinVar:

NC_000014.8:g.(?_45618030)_(45618208_?)del

Gene: FANCM (FA complementation group M; plus strand). Cytogenetic location: 14q21.2.
Variant type: Deletion.
Identifiers: ClinVar variation 1444859 (VCV001444859.4).

ClinVar aggregate classification (germline): Uncertain significance (1 of 4 stars; one submission).

Conditions:
Fanconi anemia (FA). Also called: Fanconi's anemia. Identifiers: Orphanet 84, MedGen C0015625, MeSH D005199, MONDO:0019391.

Submission:

Labcorp Genetics (formerly Invitae), Labcorp
Classification: Uncertain significance for Fanconi anemia. Last evaluated: 2021-09-23. Review status: criteria provided, single submitter. Criteria: Invitae Variant Classification Sherloc (09022015). Collection method: clinical testing. Allele origin: germline.
Comment: In summary, the available evidence is currently insufficient to determine the role of this variant in disease. Therefore, it has been classified as a Variant of Uncertain Significance. Experimental studies and prediction algorithms are not available or were not evaluated, and the functional significance of this variant is currently unknown. This variant has not been reported in the literature in individuals affected with FANCM-related conditions. This variant is a gross deletion of the genomic region encompassing exon(s) 4 of the FANCM gene. This variant would be expected to be in-frame, preserving the integrity of the reading frame.